The following is an entry in ClinVar:

ClinVar aggregate classification (germline): Uncertain significance. Review status: criteria provided, multiple submitters, no conflicts (2 of 4 stars). 3 submissions from 3 submitters: Uncertain significance (3). Last evaluated 2024-05-21.

Conditions:
Palmoplantar keratoderma-esophageal carcinoma syndrome (TOC). Also called: Tylosis with Esophageal Cancer; PALMOPLANTAR KERATODERMA WITH ESOPHAGEAL CANCER; KERATOSIS PALMARIS ET PLANTARIS WITH ESOPHAGEAL CANCER. Identifiers: Orphanet 2198, MedGen C1835664, MONDO:0007856, OMIM 148500.
Inborn genetic diseases. Identifiers: MedGen C0950123, MeSH D030342.

Allele frequency attached by ClinVar (database versions not stated): ExAC 0.00001; gnomAD 0.00001; TOPMed 0.00001.
gnomAD v4.1: 15 of 1,614,038 alleles (0.00093%); highest among the groups gnomAD compares: South Asian, 0.0022%; no homozygotes.

Submissions (3):

Labcorp Genetics (formerly Invitae), Labcorp
Classification: Uncertain significance. Last evaluated: 2024-05-21. Review status: criteria provided, single submitter. Criteria: Invitae Variant Classification Sherloc (09022015). Collection method: clinical testing. Allele origin: germline.
Comment: This sequence change replaces arginine, which is basic and polar, with tryptophan, which is neutral and slightly polar, at codon 478 of the RHBDF2 protein (p.Arg478Trp). This variant is present in population databases (rs776442321, gnomAD 0.004%). This variant has not been reported in the literature in individuals affected with RHBDF2-related conditions. An algorithm developed to predict the effect of missense changes on protein structure and function (PolyPhen-2) suggests that this variant is likely to be disruptive. In summary, the available evidence is currently insufficient to determine the role of this variant in disease. Therefore, it has been classified as a Variant of Uncertain Significance.

Baylor Genetics
Classification: Uncertain significance for Palmoplantar keratoderma-esophageal carcinoma syndrome. Last evaluated: 2024-03-24. Review status: criteria provided, single submitter. Criteria: ACMG Guidelines, 2015. Collection method: clinical testing. Allele origin: unknown.

Ambry Genetics
Classification: Uncertain significance for Inborn genetic diseases. Last evaluated: 2023-12-08. Review status: criteria provided, single submitter. Criteria: Ambry Variant Classification Scheme 2023. Collection method: clinical testing. Allele origin: germline.

NM_001005498.4(RHBDF2):c.1345C>T (p.Arg449Trp)

Gene: RHBDF2 (rhomboid 5 homolog 2; minus strand). Cytogenetic location: 17q25.1.
Variant type: single nucleotide variant.
Coding change: c.1345C>T on transcript NM_001005498.4 (MANE Select); coding-DNA position 1345, C replaced by T.
Protein change: p.Arg449Trp; replaces arginine 449 with tryptophan.
Molecular consequence: missense variant. On other transcripts: non-coding transcript variant (3).
Genome position (GRCh38, 1-based): chr17:76,474,492, G>A on the plus strand (C>T on the coding strand, the complement: RHBDF2 is on the minus strand). VCF-style: chr17-76474492-G-A. GRCh37 (hg19) VCF-style: chr17-74470574-G-A.
Other names: c.1345C>T, p.Arg449Trp (NM_001376228.1, NM_001376229.1, NM_001376230.1); c.1432C>T, p.Arg478Trp (NM_024599.5); short protein forms R449W, R478W.
Identifiers: ClinVar variation 2678389 (VCV002678389.6), dbSNP rs776442321, ClinGen allele CA8787026.